The following is an entry in ClinVar:

NM_002834.5(PTPN11):c.756+6T>C

Gene: PTPN11 (protein tyrosine phosphatase non-receptor type 11; plus strand). Cytogenetic location: 12q24.13.
Variant type: single nucleotide variant.
Coding change: c.756+6T>C on transcript NM_002834.5 (MANE Select); 6 bases into the intron after coding-DNA position 756, T replaced by C.
Molecular consequence: intron variant.
Genome position (GRCh38, 1-based): chr12:112,456,069, T>C. VCF-style: chr12-112456069-T-C. GRCh37 (hg19) VCF-style: chr12-112893873-T-C.
Other names: c.756+6T>C (NM_002834.4, NM_001330437.2, NM_080601.3); c.753+6T>C (NM_001374625.1).
Identifiers: ClinVar variation 3020428 (VCV003020428.4), dbSNP rs2038155205, ClinGen allele CA951941217.
Genomic context (GRCh38, chr12:112,456,069, plus strand): 5'-CAAATTAGCTGAGACCACAGATAAAGTCAAACAAGGCTTTTGGGAAGAATTTGAGGTAAG[T>C]TATTAAAAAACTGTTTTTACGTGAGTTGTTATATCCTATTTTTAGTGGAGGAGAAGTTGC-3'

ClinVar aggregate classification (germline): Conflicting classifications of pathogenicity. Review status: criteria provided, conflicting classifications (1 of 4 stars). 2 submissions from 2 submitters: Uncertain significance (1); Likely benign (1). Last evaluated 2026-04-03.

Conditions:
PTPN11-related disorder. Also called: PTPN11-Related Disorders.
RASopathy. Also called: Noonan spectrum disorder; rasopathies. Identifiers: Orphanet 536391, MedGen C5555857, MONDO:0021060.

Allele frequency attached by ClinVar (database versions not stated): TOPMed below 0.00001; gnomAD 0.00001.
gnomAD v4.1: 1 of 1,575,078 alleles (0.000063%); highest among the groups gnomAD compares: Non-Finnish European, 0.000087%; no homozygotes.

Submissions (2):

PreventionGenetics, part of Exact Sciences
Classification: Likely benign for PTPN11-related condition. Last evaluated: 2026-04-03. Review status: criteria provided, single submitter. Criteria: ACMG Guidelines, 2015. Collection method: clinical testing. Allele origin: germline.
Comment: This variant is classified as likely benign based on ACMG/AMP sequence variant interpretation guidelines (Richards et al. 2015 PMID: 25741868, with internal and published modifications).

Labcorp Genetics (formerly Invitae), Labcorp
Classification: Uncertain significance for RASopathy. Last evaluated: 2025-11-10. Review status: criteria provided, single submitter. Criteria: Invitae Variant Classification Sherloc (09022015). Collection method: clinical testing. Allele origin: germline.
Comment: This sequence change falls in intron 6 of the PTPN11 gene. It does not directly change the encoded amino acid sequence of the PTPN11 protein. It affects a nucleotide within the consensus splice site. This variant is not present in population databases (gnomAD no frequency). This variant has not been reported in the literature in individuals affected with PTPN11-related conditions. ClinVar contains an entry for this variant (Variation ID: 3020428). Variants that disrupt the consensus splice site are a relatively common cause of aberrant splicing (PMID: 17576681, 9536098). Algorithms developed to predict the effect of sequence changes on RNA splicing suggest that this variant is not likely to affect RNA splicing. In summary, the available evidence is currently insufficient to determine the role of this variant in disease. Therefore, it has been classified as a Variant of Uncertain Significance.

Literature cited by the submitters: PubMed 17576681 (cited by Labcorp Genetics (formerly Invitae), Labcorp); PubMed 9536098 (cited by Labcorp Genetics (formerly Invitae), Labcorp).